The following is an entry in ClinVar:

NM_057175.5(NAA15):c.266T>G (p.Leu89Arg)

Gene: NAA15 (N-alpha-acetyltransferase 15, NatA auxiliary subunit; plus strand). Cytogenetic location: 4q31.1.
Variant type: single nucleotide variant.
Coding change: c.266T>G on transcript NM_057175.5 (MANE Select); coding-DNA position 266, T replaced by G.
Protein change: p.Leu89Arg; replaces leucine 89 with arginine.
Molecular consequence: missense variant.
Genome position (GRCh38, 1-based): chr4:139,340,933, T>G. VCF-style: chr4-139340933-T-G. GRCh37 (hg19) VCF-style: chr4-140262087-T-G.
Other names: c.266T>G, p.Leu89Arg (NM_001410842.1); short protein forms L89R.
Identifiers: ClinVar variation 5017850 (VCV005017850.1).

ClinVar aggregate classification (germline): Uncertain significance (1 of 4 stars; one submission).

Submission:

GeneDx
Classification: Uncertain significance. Last evaluated: 2026-03-28. Review status: criteria provided, single submitter. Criteria: GeneDx Variant Classification Process June 2021. Collection method: clinical testing. Allele origin: germline.
Comment: Not observed at significant frequency in large population cohorts (gnomAD); In silico analysis supports that this missense variant has a deleterious effect on protein structure/function; Has not been previously published as pathogenic or benign to our knowledge